The following is an entry in ClinVar:

NM_017617.5(NOTCH1):c.1537C>T (p.Gln513Ter)

Gene: NOTCH1 (notch receptor 1; minus strand). Cytogenetic location: 9q34.3.
Variant type: single nucleotide variant.
Coding change: c.1537C>T on transcript NM_017617.5 (MANE Select); coding-DNA position 1537, C replaced by T.
Protein change: p.Gln513Ter; replaces glutamine 513 with a stop codon.
Molecular consequence: nonsense.
Genome position (GRCh38, 1-based): chr9:136,517,290, G>A on the plus strand (C>T on the coding strand, the complement: NOTCH1 is on the minus strand). VCF-style: chr9-136517290-G-A. GRCh37 (hg19) VCF-style: chr9-139411742-G-A.
Other names: short protein forms Q513*.
Identifiers: ClinVar variation 2636214 (VCV002636214.4), dbSNP rs2540459597, ClinGen allele CA375562116.

ClinVar aggregate classification (germline): Pathogenic. Review status: criteria provided, multiple submitters, no conflicts (2 of 4 stars). 2 submissions from 2 submitters: Pathogenic (2). Last evaluated 2023-06-05.

Conditions:
Adams-Oliver syndrome 5 (AOS5). Identifiers: Orphanet 974, MedGen C4014970, MONDO:0014459, OMIM 616028.
NOTCH1-related disorder. Also called: NOTCH1-related disorders; NOTCH1-related condition.

Submissions (2):

Labcorp Genetics (formerly Invitae), Labcorp
Classification: Pathogenic for Adams-Oliver syndrome 5. Last evaluated: 2023-06-05. Review status: criteria provided, single submitter. Criteria: Invitae Variant Classification Sherloc (09022015). Collection method: clinical testing. Allele origin: germline.
Comment: For these reasons, this variant has been classified as Pathogenic. This variant has not been reported in the literature in individuals affected with NOTCH1-related conditions. This variant is not present in population databases (gnomAD no frequency). This sequence change creates a premature translational stop signal (p.Gln513*) in the NOTCH1 gene. It is expected to result in an absent or disrupted protein product. Loss-of-function variants in NOTCH1 are known to be pathogenic (PMID: 16025100, 21457232, 25132448, 25963545).

PreventionGenetics, part of Exact Sciences
Classification: Pathogenic for NOTCH1-related condition. Last evaluated: 2022-09-02. Review status: criteria provided, single submitter. Criteria: ACMG Guidelines, 2015. Collection method: clinical testing. Allele origin: germline.
Comment: The NOTCH1 c.1537C>T variant is predicted to result in premature protein termination (p.Gln513*). To our knowledge, this variant has not been reported in the literature or in a large population database, indicating this variant is rare. Nonsense variants in NOTCH1 are expected to be pathogenic. This variant is interpreted as pathogenic.

Literature cited by the submitters: PubMed 16025100 (cited by Labcorp Genetics (formerly Invitae), Labcorp); PubMed 21457232 (cited by Labcorp Genetics (formerly Invitae), Labcorp); PubMed 25132448 (cited by Labcorp Genetics (formerly Invitae), Labcorp); PubMed 25963545 (cited by Labcorp Genetics (formerly Invitae), Labcorp).